The following is an entry in ClinVar:

ClinVar aggregate classification (germline): Uncertain significance (1 of 4 stars; one submission).

Allele frequency attached by ClinVar (database versions not stated): gnomAD exomes below 0.00001; gnomAD 0.00001; TOPMed 0.00001; ESP Exome Variant Server 0.00008.
gnomAD v4.1: 7 of 1,582,554 alleles (0.00044%); highest among the groups gnomAD compares: Non-Finnish European, 0.0006%; no homozygotes.

Submission:

Labcorp Genetics (formerly Invitae), Labcorp
Classification: Uncertain significance. Last evaluated: 2021-10-27. Review status: criteria provided, single submitter. Criteria: Invitae Variant Classification Sherloc (09022015). Collection method: clinical testing. Allele origin: germline.
Comment: This sequence change affects a donor splice site in intron 7 of the PLAA gene. It is expected to disrupt RNA splicing. Variants that disrupt the donor or acceptor splice site typically lead to a loss of protein function (PMID: 16199547), however the current clinical and genetic evidence is not sufficient to establish whether loss-of-function variants in PLAA cause disease. This variant is not present in population databases (gnomAD no frequency). This variant has not been reported in the literature in individuals affected with PLAA-related conditions. Algorithms developed to predict the effect of sequence changes on RNA splicing suggest that this variant may disrupt the consensus splice site. In summary, the available evidence is currently insufficient to determine the role of this variant in disease. Therefore, it has been classified as a Variant of Uncertain Significance.

Literature cited by the submitters: PubMed 16199547.

NM_001031689.3(PLAA):c.1039+1G>A

Gene: PLAA (phospholipase A2 activating protein; minus strand). Cytogenetic location: 9p21.2.
Variant type: single nucleotide variant.
Coding change: c.1039+1G>A on transcript NM_001031689.3 (MANE Select); the canonical splice donor site of the intron after coding-DNA position 1039, G replaced by A.
Molecular consequence: splice donor variant.
Genome position (GRCh38, 1-based): chr9:26,923,177, C>T on the plus strand (G>A on the coding strand, the complement: PLAA is on the minus strand). VCF-style: chr9-26923177-C-T. GRCh37 (hg19) VCF-style: chr9-26923175-C-T.
Other names: c.1039+1G>A (NM_001321546.2).
Identifiers: ClinVar variation 1423163 (VCV001423163.3), dbSNP rs376216305, ClinGen allele CA191310107.